The following is an entry in ClinVar:

ClinVar aggregate classification (germline): Uncertain significance (1 of 4 stars; one submission).

gnomAD v4.1: 7 of 1,611,318 alleles (0.00043%); highest among the groups gnomAD compares: Non-Finnish European, 0.00059%; no homozygotes.

Submission:

Labcorp Genetics (formerly Invitae), Labcorp
Classification: Uncertain significance. Last evaluated: 2023-05-07. Review status: criteria provided, single submitter. Criteria: Invitae Variant Classification Sherloc (09022015). Collection method: clinical testing. Allele origin: germline.
Comment: In summary, the available evidence is currently insufficient to determine the role of this variant in disease. Therefore, it has been classified as a Variant of Uncertain Significance. An algorithm developed to predict the effect of missense changes on protein structure and function (PolyPhen-2) suggests that this variant is likely to be disruptive. This variant has not been reported in the literature in individuals affected with TNFRSF11A-related conditions. This variant is present in population databases (rs200767929, gnomAD 0.0009%). This sequence change replaces glycine, which is neutral and non-polar, with arginine, which is basic and polar, at codon 462 of the TNFRSF11A protein (p.Gly462Arg).

NM_003839.4(TNFRSF11A):c.1384G>C (p.Gly462Arg)

Gene: TNFRSF11A (TNF receptor superfamily member 11a; plus strand). Cytogenetic location: 18q21.33.
Variant type: single nucleotide variant.
Coding change: c.1384G>C on transcript NM_003839.4 (MANE Select); coding-DNA position 1384, G replaced by C.
Protein change: p.Gly462Arg; replaces glycine 462 with arginine.
Molecular consequence: missense variant. On other transcripts: intron variant (3).
Genome position (GRCh38, 1-based): chr18:62,369,301, G>C. VCF-style: chr18-62369301-G-C. GRCh37 (hg19) VCF-style: chr18-60036534-G-C.
Other names: c.1342G>C, p.Gly448Arg (NM_001278268.2); c.783+2541G>C (NM_001270949.2); c.730+7508G>C (NM_001270950.2); c.616+9252G>C (NM_001270951.2); short protein forms G462R, G448R.
Identifiers: ClinVar variation 2790769 (VCV002790769.3), dbSNP rs200767929, ClinGen allele CA8983957.
Genomic context (GRCh38, chr18:62,369,301, plus strand): 5'-TGGGCAGATGTCTGCACAGGCTGCCGGAACCCTCCTGGGGAGGACTGTGAACCCCTCGTG[G>C]GTTCCCCAAAACGTGGACCCTTGCCCCAGTGCGCCTATGGCATGGGCCTTCCCCCTGAAG-3'
Protein context (NP_003830.1, residues 452-472): PPGEDCEPLV[Gly462Arg]SPKRGPLPQC